The following is an entry in ClinVar:

NM_000059.4(BRCA2):c.9182_9184delinsAA (p.Leu3061_Asp3062delinsTer)

Gene: BRCA2 (BRCA2 DNA repair associated; plus strand). Cytogenetic location: 13q13.1.
Variant type: Indel.
Coding change: c.9182_9184delinsAA on transcript NM_000059.4 (MANE Select); coding-DNA positions 9182 to 9184, TAG replaced by AA.
Protein change: p.Leu3061_Asp3062delinsTer.
Molecular consequence: nonsense. On other transcripts: non-coding transcript variant (1).
Genome position (GRCh38, 1-based): chr13:32,380,071-32,380,073, TAG replaced by AA. VCF-style: chr13-32380071-TAG-AA. GRCh37 (hg19) VCF-style: chr13-32954208-TAG-AA.
Other names: c.9086_9088delinsAA, p.Leu3029_Asp3030delinsTer (NM_001406719.1); c.9131_9133delinsAA, p.Leu3044_Asp3045delinsTer (NM_001406720.1); c.4250_4252delinsAA, p.Leu1417_Asp1418delinsTer (NM_001406721.1); c.2765_2767delinsAA, p.Leu922_Asp923delinsTer (NM_001406722.1); c.9182_9184delinsAA, p.Leu3061_Asp3062delinsTer (NM_001432077.1).
Identifiers: ClinVar variation 3773507 (VCV003773507.1).

ClinVar aggregate classification (germline): Pathogenic (1 of 4 stars; one submission).

Conditions:
Breast-ovarian cancer, familial, susceptibility to, 2 (BROVCA2). Also called: BRCA2 Hereditary Breast and Ovarian Cancer. Identifiers: Orphanet 145, MedGen C2675520, MONDO:0012933, OMIM 612555. Disease mechanism: loss of function.

Submission:

Myriad Genetics, Inc.
Classification: Pathogenic for Breast-ovarian cancer, familial, susceptibility to, 2. Last evaluated: 2024-10-15. Review status: criteria provided, single submitter. Criteria: Myriad Autosomal Dominant, Autosomal Recessive and X-Linked Classification Criteria (2023). Collection method: clinical testing. Allele origin: unknown.
Comment: This variant is considered pathogenic. This variant creates a termination codon and is predicted to result in premature protein truncation.